The following is an entry in ClinVar:

ClinVar aggregate classification (germline): Likely pathogenic (1 of 4 stars; one submission).

Conditions:
Ehlers-Danlos syndrome, classic type, 1 (EDSCL1). Also called: EHLERS-DANLOS SYNDROME, GRAVIS TYPE; EHLERS-DANLOS SYNDROME, SEVERE CLASSIC TYPE; Ehlers-Danlos syndrome, type 1; Ehlers-Danlos Syndrome, Classic Type, COL5A1-Related; EDS I. Identifiers: MedGen C0268335, MONDO:0019567, OMIM 130000.
Osteogenesis imperfecta type I (OI1). Also called: OI, TYPE I; OSTEOGENESIS IMPERFECTA TARDA; OSTEOGENESIS IMPERFECTA WITH BLUE SCLERAE; Osteogenesis imperfecta type 1; Lobstein's Disease; Lobstein disease. Identifiers: Orphanet 216796, Orphanet 666, MedGen C0023931, MONDO:0008146, OMIM 166200. Disease mechanism: loss of function.

Allele frequency attached by ClinVar (database versions not stated): ExAC 0.00001; gnomAD exomes below 0.00001.

Submission:

Labcorp Genetics (formerly Invitae), Labcorp
Classification: Likely pathogenic for Osteogenesis imperfecta type I; Ehlers-Danlos syndrome, classic type, 1. Last evaluated: 2021-06-02. Review status: criteria provided, single submitter. Criteria: Invitae Variant Classification Sherloc (09022015). Collection method: clinical testing. Allele origin: germline.
Comment: In summary, the currently available evidence indicates that the variant is pathogenic, but additional data are needed to prove that conclusively. Therefore, this variant has been classified as Likely Pathogenic. This variant disrupts the triple helix domain of COL1A2. Glycine residues within the Gly-Xaa-Yaa repeats of the triple helix domain are required for the structure and stability of fibrillar collagens (PMID: 7695699, 8218237, 19344236). In COL1A2, variants affecting these glycine residues are significantly enriched in individuals with disease (PMID: 9016532, 17078022) compared to the general population (ExAC). Advanced modeling of protein sequence and biophysical properties (such as structural, functional, and spatial information, amino acid conservation, physicochemical variation, residue mobility, and thermodynamic stability) performed at Invitae indicates that this missense variant is expected to disrupt COL1A2 protein function. This variant has not been reported in the literature in individuals with COL1A2-related conditions. This variant is present in population databases (rs768263997, ExAC 0.02%). This sequence change replaces glycine with valine at codon 172 of the COL1A2 protein (p.Gly172Val). The glycine residue is highly conserved and there is a moderate physicochemical difference between glycine and valine.

Literature cited by the submitters: PubMed 7695699; PubMed 8218237; PubMed 19344236; PubMed 9016532; PubMed 17078022.

NM_000089.4(COL1A2):c.515G>T (p.Gly172Val)

Gene: COL1A2 (collagen type I alpha 2 chain; plus strand). Cytogenetic location: 7q21.3.
Variant type: single nucleotide variant.
Coding change: c.515G>T on transcript NM_000089.4 (MANE Select); coding-DNA position 515, G replaced by T.
Protein change: p.Gly172Val; replaces glycine 172 with valine.
Molecular consequence: missense variant.
Genome position (GRCh38, 1-based): chr7:94,405,701, G>T. VCF-style: chr7-94405701-G-T. GRCh37 (hg19) VCF-style: chr7-94035013-G-T.
Other names: short protein forms G172V.
Identifiers: ClinVar variation 1475166 (VCV001475166.8), dbSNP rs768263997, ClinGen allele CA4346697.